The following is an entry in ClinVar:

NM_000243.3(MEFV):c.586G>T (p.Gly196Trp)

Gene: MEFV (MEFV innate immunity regulator, pyrin; minus strand). Cytogenetic location: 16p13.3.
Variant type: single nucleotide variant.
Coding change: c.586G>T on transcript NM_000243.3 (MANE Select); coding-DNA position 586, G replaced by T.
Protein change: p.Gly196Trp; replaces glycine 196 with tryptophan.
Molecular consequence: missense variant. On other transcripts: intron variant (1).
Genome position (GRCh38, 1-based): chr16:3,254,482, C>A on the plus strand (G>T on the coding strand, the complement: MEFV is on the minus strand). VCF-style: chr16-3254482-C-A. GRCh37 (hg19) VCF-style: chr16-3304482-C-A.
Other names: c.277+1829G>T (NM_001198536.2); short protein forms G196W.
Identifiers: ClinVar variation 97532 (VCV000097532.75), dbSNP rs104895179, ClinGen allele CA201518.
Genomic context (GRCh38, chr16:3,254,482, plus strand): 5'-GCCCCTGCAGCCTCCCCGCGGAGCTGGCGTTTCTGCGCAGCCGGACCTCGGCCTGGCCCC[C>A]CTCTAGCGCCCTGCAGGGGCCGGGGCTTCTCCCGCCCGGCAGGGCCGGGCTCCGGGTCCG-3'
Protein context (NP_000234.1, residues 186-206): RSPGPCRALE[Gly196Trp]GQAEVRLRRN

ClinVar aggregate classification (germline): Conflicting classifications of pathogenicity. Review status: criteria provided, conflicting classifications (1 of 4 stars). 15 submissions from 15 submitters: Uncertain significance (5); Benign (3); Likely benign (3). 4 of the submissions do not count toward it. Last evaluated 2026-08-01.

Conditions:
Autoinflammatory syndrome. Identifiers: Orphanet 93665, MedGen C3890737, MONDO:0019751.
MEFV-related disorder. Also called: MEFV-related disorders; MEFV-related condition.
Familial Mediterranean fever (FMF). Also called: POLYSEROSITIS, FAMILIAL PAROXYSMAL; POLYSEROSITIS, RECURRENT; Periodic peritonitis; Benign paroxysmal peritonitis. Identifiers: Orphanet 342, MedGen C0031069, MONDO:0018088, OMIM 249100. Disease mechanism: gain of function.
Familial Mediterranean fever, autosomal dominant. Also called: Dominant Familial Mediterranean Fever; FMF, AUTOSOMAL DOMINANT. Identifiers: Orphanet 342, MedGen C1851347, MONDO:0007601, OMIM 134610.

Allele frequency attached by ClinVar (database versions not stated): ESP Exome Variant Server 0.00326; TOPMed 0.00550; 1000 Genomes Project 0.00559; 1000 Genomes Project 30x 0.00562.
gnomAD v4.1: 1,452 of 1,587,236 alleles (0.091%); highest among the groups gnomAD compares: African/African-American, 1.7%; 17 homozygotes.

Submissions (15):

CeGaT Center for Human Genetics Tuebingen
Classification: Likely benign. Last evaluated: 2026-08-01. Review status: criteria provided, single submitter. Criteria: CeGaT Center For Human Genetics Tuebingen Variant Classification Criteria Version 2. Collection method: clinical testing. Allele origin: germline. Affected: yes. Observed: 2 variant alleles.
Comment: MEFV: BP4, BS1

Labcorp Genetics (formerly Invitae), Labcorp
Classification: Benign for Familial Mediterranean fever. Last evaluated: 2026-02-03. Review status: criteria provided, single submitter. Criteria: Invitae Variant Classification Sherloc (09022015). Collection method: clinical testing. Allele origin: germline.

Mayo Clinic Laboratories, Mayo Clinic
Classification: Likely benign. Last evaluated: 2025-08-13. Review status: criteria provided, single submitter. Criteria: ACMG Guidelines, 2015. Collection method: clinical testing. Allele origin: germline. Observed: 4 variant alleles.
Comment: BS1, BS2, BP4, BP5

Blueprint Genetics
Classification: Uncertain significance. Last evaluated: 2024-11-13. Review status: criteria provided, single submitter. Criteria: ACMG Guidelines, 2015. Collection method: clinical testing. Allele origin: germline.

Mendelics
Classification: Benign for Familial Mediterranean fever. Last evaluated: 2023-08-22. Review status: criteria provided, single submitter. Criteria: Mendelics Assertion Criteria 2019. Collection method: clinical testing. Allele origin: germline.

ARUP Laboratories, Molecular Genetics and Genomics, ARUP Laboratories
Classification: Uncertain significance. Last evaluated: 2021-10-21. Review status: criteria provided, single submitter. Criteria: ARUP Molecular Germline Variant Investigation Process 2021. Collection method: clinical testing. Allele origin: germline.
Comment: The MEFV c.586G>T; p.Gly196Trp variant (rs104895179) is reported in the literature in several individuals with periodic fever or autoimmune syndromes (Bozgeyik 2020, Cantarini 2012, Oztuzcu 2014 ). However, the variant has also been reported in at least one individual with an alternate molecular explanation for disease (Gunesacar 2014). The variant is reported in the ClinVar database (Variation ID: 97532) and in the African population with an allele frequency of 1.7% (350/20,178 alleles including 2 homozygotes) in the Genome Aggregation Database. The glycine at codon 196 is weakly conserved, and computational analyses are uncertain whether this variant is neutral or deleterious (REVEL: 0.237). Although the allele frequency of this variant is higher than would be predicted for FMF, given the lack of clinical and functional data, the significance of the p.Gly196Trp variant is uncertain at this time. References: Bozgeyik E et al. Next-generation screening of a panel of genes associated with periodic fever syndromes in patients with Familial Mediterranean Fever and their clinical characteristics. Genomics. 2020 Jul;112(4):2755-2762. PMID: 32199921. Cantarini L et al. Systemic-onset juvenile idiopathic arthritis complicated by early onset amyloidosis in a patient carrying a mutation in the MEFV gene. Rheumatol Int. 2012 Feb;32(2):465-7. Gunesacar R et al. Frequency of MEFV gene mutations in Hatay province, Mediterranean region of Turkey and report of a novel missense mutation (I247V). Gene. 2014 Aug 10;546(2):195-9 Oztuzcu S et al. Screening of common and novel familial mediterranean fever mutations in south-east part of Turkey. Mol Biol Rep. 2014;41(4):2601-7.

Dubai Health Genomic Medicine Center, Dubai Health
Classification: Uncertain significance for Familial Mediterranean fever, autosomal dominant. Last evaluated: 2020-07-23. Review status: criteria provided, single submitter. Criteria: ACMG Guidelines, 2015. Collection method: clinical testing. Allele origin: germline. Affected: yes.
Comment: The p.Gly196Trp missense variant in MEFV has been previously reported in the heterozygous state in one patient with systemic-onset juvenile idiopathic arthritis (PMID: 20044784) and as a complex allele with a known homozygous pathogenic variant (p.Meth694Ile) in a patient with Familial Mediterranean Fever or FMF (PMID: 24929125). Another missense variant at the same position (p.Gly196Arg) was reported in another patient with FMF (PMID: 24469716). The p.Gly196Trp variant was also identified 1.7% (350/20178) African alleles including two homozygotes in the Genome Aggregation Database (gnomAD) and in 5/1967 alleles in the Greater Middle East (GME) Variome Database. Computational prediction tools and conservation analyses do not suggest an impact to protein function though this information is not sufficient to rule out pathogenicity. In summary more information is needed to determine the clinical significance of this variant however based on its allele frequency and presence in at least one patient with an alternate cause for the disease we lean more towards a likely benign role.

Genome Diagnostics Laboratory, The Hospital for Sick Children
Classification: Uncertain significance for Autoinflammatory syndrome. Last evaluated: 2020-05-01. Review status: criteria provided, single submitter. Criteria: ACMG Guidelines, 2015. Collection method: clinical testing. Allele origin: germline. Affected: yes.

GeneDx
Classification: Likely benign. Last evaluated: 2019-07-03. Review status: criteria provided, single submitter. Criteria: GeneDx Variant Classification Process June 2021. Collection method: clinical testing. Allele origin: germline. Affected: yes.
Comment: In silico analysis, which includes protein predictors and evolutionary conservation, supports that this variant does not alter protein structure/function; This variant is associated with the following publications: (PMID: 29178647, 26990548, 22995991, 20044784, 24929125, 24263150, 32199921)

Women's Health and Genetics/Laboratory Corporation of America, LabCorp
Classification: Uncertain significance. Last evaluated: 2016-07-20. Review status: criteria provided, single submitter. Criteria: LabCorp Variant Classification Summary - May 2015. Collection method: clinical testing. Allele origin: germline.
Comment: Variant Summary: The MEFV variant, c.586G>T (p.Gly196Trp), causes a missense change involving a non-conserved nucleotide with 2/4 in silico tools (SNPs&GO not captured here due to low reliability index value) predict a benign outcome, although these predictions have yet to be functionally assessed. The variant was observed in the large and broad cohorts of the ExAC project at an allele frequency of 0.20%, predominantly observed in the African subpopulation at a frequency of 2.4%. This frequency slightly exceeds the maximal expected allele frequency for a pathogenic variant in MEFV (2.2%), suggesting this is a benign polymorphism found primarily in population(s) of African origin. The variant has been reported in the literature in at least 2 FMF patients, one of whom also had a common pathogenic mutation in the homozygous state (c.2082G>A, M694I; Gunesacar_2014), suggesting the variant of interest was not the causitive mutation in this individual. The variant has also been reported in atypical FMF patients and a Systemic Juvenile Idiopathic Arthritis patient, however the variant was the only detected variant in these patients. In addition, one reputable clinical lab has classified the variant as "benign", without evidence to independently evaluate. Taken together, this variant has been classified as a variant of uncertain significance, possibly benign variant, until additional information becomes available.

Eurofins Ntd Llc (ga)
Classification: Benign. Last evaluated: 2015-04-03. Review status: criteria provided, single submitter. Criteria: EGL Classification Definitions 2015. Collection method: clinical testing. Allele origin: germline. Observed: 1 variant allele, 1 heterozygote.

Molecular Genetics Laboratory, BC Children's and BC Women's Hospitals
Classification: Likely benign for Familial Mediterranean fever. Last evaluated: 2024-05-22. Review status: no assertion criteria provided. Criteria: ACMG Guidelines, 2015. Collection method: clinical testing. Allele origin: germline. Affected: yes. Not counted in ClinVar's aggregate classification.

PreventionGenetics, part of Exact Sciences
Classification: Uncertain significance for MEFV-related condition. Last evaluated: 2024-05-14. Review status: no assertion criteria provided. Collection method: clinical testing. Allele origin: germline. Not counted in ClinVar's aggregate classification.
Comment: The MEFV c.586G>T variant is predicted to result in the amino acid substitution p.Gly196Trp. This variant has been reported in patients with Familial Mediterranean Fever (Jesus et al. 2012. PubMed ID: 22566169; Aydogan et al. 2013. PubMed ID: 23155201; Oztuzcu et al. 2014. PubMed ID: 24469716; Gunesacar et al. 2014. PubMed ID: 24929125; Bozgeyik et al. 2020. PubMed ID: 32199921) and systemic juvenile idiopathic arthritis (Cantarini et al. 2012. PubMed ID: 20044784). This variant is reported in 1.7% of alleles in individuals of African descent in gnomAD, including two homozygous individuals, which may be too common to be causative of disease. At this time, the clinical significance of this variant is uncertain due to the absence of conclusive functional and genetic evidence.

Natera, Inc.
Classification: Likely benign for Familial Mediterranean fever. Last evaluated: 2020-01-06. Review status: no assertion criteria provided. Collection method: clinical testing. Allele origin: germline. Not counted in ClinVar's aggregate classification.

Unité médicale des maladies autoinflammatoires, CHRU Montpellier
No classification provided. Condition: Familial Mediterranean fever. Review status: no classification provided. Collection method: not provided. Allele origin: unknown. Not counted in ClinVar's aggregate classification.

Literature cited by the submitters: PubMed 20044784 (cited by Mayo Clinic Laboratories, Mayo Clinic and Women's Health and Genetics/Laboratory Corporation of America, LabCorp); PubMed 22566169 (cited by Mayo Clinic Laboratories, Mayo Clinic and Women's Health and Genetics/Laboratory Corporation of America, LabCorp); PubMed 22995991 (cited by Mayo Clinic Laboratories, Mayo Clinic and Women's Health and Genetics/Laboratory Corporation of America, LabCorp); PubMed 23155201 (cited by Mayo Clinic Laboratories, Mayo Clinic and Women's Health and Genetics/Laboratory Corporation of America, LabCorp); PubMed 24263150 (cited by Mayo Clinic Laboratories, Mayo Clinic and Women's Health and Genetics/Laboratory Corporation of America, LabCorp); PubMed 24469716 (cited by Mayo Clinic Laboratories, Mayo Clinic and Women's Health and Genetics/Laboratory Corporation of America, LabCorp); PubMed 24929125 (cited by Mayo Clinic Laboratories, Mayo Clinic and Women's Health and Genetics/Laboratory Corporation of America, LabCorp); PubMed 26990548 (cited by Mayo Clinic Laboratories, Mayo Clinic); PubMed 30476936 (cited by Mayo Clinic Laboratories, Mayo Clinic); PubMed 32199921 (cited by Mayo Clinic Laboratories, Mayo Clinic); PubMed 33726816 (cited by Mayo Clinic Laboratories, Mayo Clinic); PubMed 24862656 (cited by Women's Health and Genetics/Laboratory Corporation of America, LabCorp); PubMed 19790133 (cited by Eurofins Ntd Llc (ga)).